The following is an entry in ClinVar:

NM_001142800.2(EYS):c.6374C>A (p.Ser2125Ter)

Gene: EYS (EGF-like photoreceptor maintenance factor; minus strand). Cytogenetic location: 6q12.
Variant type: single nucleotide variant.
Coding change: c.6374C>A on transcript NM_001142800.2 (MANE Select); coding-DNA position 6374, C replaced by A.
Protein change: p.Ser2125Ter; replaces serine 2125 with a stop codon.
Molecular consequence: nonsense.
Genome position (GRCh38, 1-based): chr6:64,230,642, G>T on the plus strand (C>A on the coding strand, the complement: EYS is on the minus strand). VCF-style: chr6-64230642-G-T. GRCh37 (hg19) VCF-style: chr6-64940535-G-T.
Other names: c.6374C>A, p.Ser2125Ter (NM_001292009.2); short protein forms S2125*.
Identifiers: ClinVar variation 5012929 (VCV005012929.1).

ClinVar aggregate classification (germline): Pathogenic (1 of 4 stars; one submission).

Conditions:
Retinitis pigmentosa 25 (RP25). Identifiers: Orphanet 791, MedGen C1864446, MONDO:0011272, OMIM 602772.

Submission:

Myriad Genetics, Inc.
Classification: Pathogenic for Retinitis pigmentosa 25. Last evaluated: 2024-04-19. Review status: criteria provided, single submitter. Criteria: Myriad Autosomal Dominant, Autosomal Recessive and X-Linked Classification Criteria (2023). Collection method: clinical testing. Allele origin: unknown.
Comment: NM_001142800.1(EYS):c.6374C>A(S2125*) is expected to be pathogenic in the context of retinitis pigmentosa, EYS-related. This variant is predicted to lead to an abnormal or absent protein product due to the creation of a premature termination codon in EYS, a gene where loss-of-function variants are known to be pathogenic. Please note: this variant was assessed in the context of healthy population screening.